The following is an entry in ClinVar:

NM_002734.5(PRKAR1A):c.235G>C (p.Glu79Gln)

Gene: PRKAR1A (protein kinase cAMP-dependent type I regulatory subunit alpha; plus strand). Cytogenetic location: 17q24.2.
Variant type: single nucleotide variant.
Coding change: c.235G>C on transcript NM_002734.5 (MANE Select); coding-DNA position 235, G replaced by C.
Protein change: p.Glu79Gln; replaces glutamic acid 79 with glutamine.
Molecular consequence: missense variant.
Genome position (GRCh38, 1-based): chr17:68,522,813, G>C. VCF-style: chr17-68522813-G-C. GRCh37 (hg19) VCF-style: chr17-66518954-G-C.
Other names: c.235G>C, p.Glu79Gln (NM_001276289.2, NM_001276290.1, NM_001278433.2 and 4 more transcripts); short protein forms E79Q.
Identifiers: ClinVar variation 4754695 (VCV004754695.1).

ClinVar aggregate classification (germline): Uncertain significance (1 of 4 stars; one submission).

Conditions:
Carney complex, type 1 (CNC1). Also called: CARNEY COMPLEX, TYPE I; CARNEY MYXOMA-ENDOCRINE COMPLEX. Identifiers: Orphanet 1359, MedGen C2607929, MONDO:0008057, OMIM 160980.

Submission:

Labcorp Genetics (formerly Invitae), Labcorp
Classification: Uncertain significance for Carney complex, type 1. Last evaluated: 2025-07-02. Review status: criteria provided, single submitter. Criteria: Invitae Variant Classification Sherloc (09022015). Collection method: clinical testing. Allele origin: germline.
Comment: This sequence change replaces glutamic acid, which is acidic and polar, with glutamine, which is neutral and polar, at codon 79 of the PRKAR1A protein (p.Glu79Gln). This variant is not present in population databases (gnomAD no frequency). This variant has not been reported in the literature in individuals affected with PRKAR1A-related conditions. Invitae Evidence Modeling of protein sequence and biophysical properties (such as structural, functional, and spatial information, amino acid conservation, physicochemical variation, residue mobility, and thermodynamic stability) indicates that this missense variant is not expected to disrupt PRKAR1A protein function with a negative predictive value of 95%. In summary, the available evidence is currently insufficient to determine the role of this variant in disease. Therefore, it has been classified as a Variant of Uncertain Significance.